The following is an entry in ClinVar:

ClinVar aggregate classification (germline): Uncertain significance (1 of 4 stars; one submission).

Allele frequency attached by ClinVar (database versions not stated): TOPMed below 0.00001.

Submission:

Labcorp Genetics (formerly Invitae), Labcorp
Classification: Uncertain significance. Last evaluated: 2025-09-02. Review status: criteria provided, single submitter. Criteria: Invitae Variant Classification Sherloc (09022015). Collection method: clinical testing. Allele origin: germline.
Comment: This sequence change replaces asparagine, which is neutral and polar, with serine, which is neutral and polar, at codon 3069 of the ADGRV1 protein (p.Asn3069Ser). This variant is not present in population databases (gnomAD no frequency). This variant has not been reported in the literature in individuals affected with ADGRV1-related conditions. ClinVar contains an entry for this variant (Variation ID: 1715102). Invitae Evidence Modeling of protein sequence and biophysical properties (such as structural, functional, and spatial information, amino acid conservation, physicochemical variation, residue mobility, and thermodynamic stability) indicates that this missense variant is not expected to disrupt ADGRV1 protein function with a negative predictive value of 95%. In summary, the available evidence is currently insufficient to determine the role of this variant in disease. Therefore, it has been classified as a Variant of Uncertain Significance.

NM_032119.4(ADGRV1):c.9206A>G (p.Asn3069Ser)

Gene: ADGRV1 (adhesion G protein-coupled receptor V1; plus strand). Cytogenetic location: 5q14.3.
Variant type: single nucleotide variant.
Coding change: c.9206A>G on transcript NM_032119.4 (MANE Select); coding-DNA position 9206, A replaced by G.
Protein change: p.Asn3069Ser; replaces asparagine 3069 with serine.
Molecular consequence: missense variant. On other transcripts: non-coding transcript variant (1).
Genome position (GRCh38, 1-based): chr5:90,716,488, A>G. VCF-style: chr5-90716488-A-G. GRCh37 (hg19) VCF-style: chr5-90012305-A-G.
Other names: short protein forms N3069S.
Identifiers: ClinVar variation 1715102 (VCV001715102.5), dbSNP rs1750126128, ClinGen allele CA360397013.